The following is an entry in ClinVar:

NM_005573.4(LMNB1):c.1628G>T (p.Ser543Ile)

Gene: LMNB1 (lamin B1; plus strand). Cytogenetic location: 5q23.2.
Variant type: single nucleotide variant.
Coding change: c.1628G>T on transcript NM_005573.4 (MANE Select); coding-DNA position 1628, G replaced by T.
Protein change: p.Ser543Ile; replaces serine 543 with isoleucine.
Molecular consequence: missense variant. On other transcripts: non-coding transcript variant (2).
Genome position (GRCh38, 1-based): chr5:126,832,710, G>T. VCF-style: chr5-126832710-G-T. GRCh37 (hg19) VCF-style: chr5-126168402-G-T.
Other names: c.998G>T, p.Ser333Ile (NM_001198557.2); short protein forms S333I, S543I.
Identifiers: ClinVar variation 2722634 (VCV002722634.3), dbSNP rs2479579946, ClinGen allele CA360730701.

ClinVar aggregate classification (germline): Uncertain significance (1 of 4 stars; one submission).

Allele frequency attached by ClinVar (database versions not stated): gnomAD exomes below 0.00001.
gnomAD v4.1: 6 of 1,612,168 alleles (0.00037%); highest among the groups gnomAD compares: Non-Finnish European, 0.00051%; no homozygotes.

Submission:

Labcorp Genetics (formerly Invitae), Labcorp
Classification: Uncertain significance. Last evaluated: 2022-12-07. Review status: criteria provided, single submitter. Criteria: Invitae Variant Classification Sherloc (09022015). Collection method: clinical testing. Allele origin: germline.
Comment: This sequence change replaces serine, which is neutral and polar, with isoleucine, which is neutral and non-polar, at codon 543 of the LMNB1 protein (p.Ser543Ile). This variant is not present in population databases (gnomAD no frequency). This variant has not been reported in the literature in individuals affected with LMNB1-related conditions. Advanced modeling of protein sequence and biophysical properties (such as structural, functional, and spatial information, amino acid conservation, physicochemical variation, residue mobility, and thermodynamic stability) performed at Invitae indicates that this missense variant is not expected to disrupt LMNB1 protein function. In summary, the available evidence is currently insufficient to determine the role of this variant in disease. Therefore, it has been classified as a Variant of Uncertain Significance.